The following is an entry in ClinVar:

ClinVar aggregate classification (germline): Likely pathogenic (1 of 4 stars; one submission).

Conditions:
Anauxetic dysplasia. Identifiers: Orphanet 93347, MedGen C1846796, MONDO:0011773.

Submission:

Labcorp Genetics (formerly Invitae), Labcorp
Classification: Likely pathogenic for Anauxetic dysplasia. Last evaluated: 2019-10-16. Review status: criteria provided, single submitter. Criteria: Invitae Variant Classification Sherloc (09022015). Collection method: clinical testing. Allele origin: germline.
Comment: The frequency data for this variant in the population databases is considered unreliable, as metrics indicate insufficient coverage at this position in the ExAC database. In summary, the currently available evidence indicates that the variant is pathogenic, but additional data are needed to prove that conclusively. Therefore, this variant has been classified as Likely Pathogenic. While functional studies for this variant have not been reported, experimental analyses using patient derived cells, as well as in vitro transfection studies, have shown that promoter insertions result in silencing of RMRP transcription and reduced expression of the gene product (PMID: 11207361, 16254002). This variant is located in the promoter region between the TATA box and the transcription initiation site, and other similar insertions and duplications immediately upstream of the coding sequence have been reported in individuals affected with cartilage-hair hypoplasia (PMID: 14608646, 16838329, 11207361). ClinVar contains an entry for this variant (Variation ID: 551626). This variant occurs in the RMRP gene, which encodes an RNA molecule that does not result in a protein product.

Literature cited by the submitters: PubMed 11207361; PubMed 16254002; PubMed 14608646; PubMed 16838329.

NC_000009.12:g.35658016_35658035dup

Gene: RMRP (RNA component of mitochondrial RNA processing endoribonuclease; minus strand). Cytogenetic location: 9p13.3.
Variant type: Duplication.
Genome position: GRCh38 VCF-style: chr9-35658014-G-GAACCACGTCCTCAGCTTCAC. GRCh37 (hg19) VCF-style: chr9-35658011-G-GAACCACGTCCTCAGCTTCAC.
Identifiers: ClinVar variation 968652 (VCV000968652.10), dbSNP rs1823629969, ClinGen allele CA1139660924.